The following is an entry in ClinVar:

Conditions:
Breast-ovarian cancer, familial, susceptibility to, 1 (BROVCA1). Also called: BRCA1 Hereditary Breast and Ovarian Cancer; OVARIAN CANCER, SUSCEPTIBILITY TO. Identifiers: Orphanet 145, MedGen C2676676, MONDO:0011450, OMIM 604370. Disease mechanism: loss of function.

Submission:

Brotman Baty Institute, University of Washington
No classification provided (evidence only). Condition: Breast-ovarian cancer, familial 1. Review status: no classification provided. Collection method: in vitro. Allele origin: not applicable. Functional consequence: functionally_normal.
ClinVar note: "not provided" was previously submitted as the classification for the variant. However, the classification appeared to be based only on an observation of functional data so it was converted to no classification on 2025-07-30.

NM_007294.4(BRCA1):c.5462T>A (p.Phe1821Tyr)

Gene: BRCA1 (BRCA1 DNA repair associated; minus strand). Cytogenetic location: 17q21.31.
Variant type: single nucleotide variant.
Coding change: c.5462T>A on transcript NM_007294.4 (MANE Select); coding-DNA position 5462, T replaced by A.
Protein change: p.Phe1821Tyr; replaces phenylalanine 1821 with tyrosine.
Molecular consequence: missense variant. On other transcripts: synonymous variant (17).
Genome position (GRCh38, 1-based): chr17:43,047,648, A>T on the plus strand (T>A on the coding strand, the complement: BRCA1 is on the minus strand). VCF-style: chr17-43047648-A-T. GRCh37 (hg19) VCF-style: chr17-41199665-A-T.
Other names: c.1940T>A, p.Phe647Tyr (NM_001408484.1, NM_001408481.1, NM_001408482.1 and 5 more transcripts); c.1889T>A, p.Phe630Tyr (NM_001408498.1, NM_001408499.1, NM_001408500.1 and 3 more transcripts); c.1886T>A, p.Phe629Tyr (NM_001408502.1, NM_001408503.1, NM_001408504.1); c.1883T>A, p.Phe628Tyr (NM_001408505.1); c.1826T>A, p.Phe609Tyr (NM_001408506.1); c.5321T>A, p.Phe1774Tyr (NM_007297.4, NM_001407692.1, NM_001407694.1 and 12 more transcripts); c.2150T>A, p.Phe717Tyr (NM_007298.4, NM_007304.2, NM_001407979.1 and 11 more transcripts); c.2076T>A, p.Leu692= (NM_007299.4, NM_001408472.1); and 83 more; short protein forms F1774Y, F1821Y, F1842Y, F717Y, F1524Y, F1692Y, F1693Y, F1709Y.
Identifiers: ClinVar variation 868106 (VCV000868106.3), dbSNP rs2050977559, ClinGen allele CA10590441.
Genomic context (GRCh38, chr17:43,047,648, plus strand): 5'-AACCAAACCCATGCAAAAGGACCCCATATAGCACAGGTACATGCAGGCACCTTACCATGG[A>T]AGCCATTGTCCTCTGTCCAGGCATCTGGCTGCACAACCACAATTGGGTGGACACCCTGGA-3'
Protein context (NP_009225.1, residues 1811-1831): QPDAWTEDNG[Phe1821Tyr]HAIGQMCEAP